The following is an entry in ClinVar:

ClinVar aggregate classification (germline): Uncertain significance (1 of 4 stars; one submission).

Conditions:
Hereditary cancer-predisposing syndrome. Also called: Tumor predisposition; Hereditary neoplastic syndrome; Hereditary Cancer Syndrome; Neoplastic Syndromes, Hereditary. Identifiers: Orphanet 140162, MedGen C0027672, MeSH D009386, MONDO:0015356.

Submission:

Ambry Genetics
Classification: Uncertain significance for Hereditary cancer-predisposing syndrome. Last evaluated: 2025-04-19. Review status: criteria provided, single submitter. Criteria: Ambry Variant Classification Scheme 2023. Collection method: clinical testing. Allele origin: germline.
Comment: The p.E196K variant (also known as c.586G>A), located in coding exon 4 of the POLD1 gene, results from a G to A substitution at nucleotide position 586. The glutamic acid at codon 196 is replaced by lysine, an amino acid with similar properties. This amino acid position is conserved. In addition, this alteration is predicted to be tolerated by in silico analysis. Based on the available evidence, the clinical significance of this variant remains unclear.

NM_002691.4(POLD1):c.586G>A (p.Glu196Lys)

Gene: POLD1 (DNA polymerase delta 1, catalytic subunit; plus strand). Cytogenetic location: 19q13.33.
Variant type: single nucleotide variant.
Coding change: c.586G>A on transcript NM_002691.4 (MANE Select); coding-DNA position 586, G replaced by A.
Protein change: p.Glu196Lys; replaces glutamic acid 196 with lysine.
Molecular consequence: missense variant. On other transcripts: non-coding transcript variant (1).
Genome position (GRCh38, 1-based): chr19:50,402,121, G>A. VCF-style: chr19-50402121-G-A. GRCh37 (hg19) VCF-style: chr19-50905378-G-A.
Other names: c.586G>A, p.Glu196Lys (NM_001256849.1, NM_001308632.1); short protein forms E196K.
Identifiers: ClinVar variation 3935563 (VCV003935563.1).